The following is an entry in ClinVar:

NM_005068.3(SIM1):c.1405G>A (p.Gly469Arg)

Genes: SIM1 (SIM bHLH transcription factor 1; minus strand), SIM1-AS1 (SIM1 antisense RNA 1; plus strand). Cytogenetic location: 6q16.3.
Variant type: single nucleotide variant.
Coding change: c.1405G>A on transcript NM_005068.3 (MANE Select); coding-DNA position 1405, G replaced by A.
Protein change: p.Gly469Arg; replaces glycine 469 with arginine.
Molecular consequence: missense variant. On other transcripts: non-coding transcript variant (1).
Genome position (GRCh38, 1-based): chr6:100,393,652, C>T on the plus strand (G>A on the coding strand, the complement: SIM1 is on the minus strand). VCF-style: chr6-100393652-C-T. GRCh37 (hg19) VCF-style: chr6-100841528-C-T.
Other names: c.1405G>A, p.Gly469Arg (NM_001374769.1); short protein forms G469R.
Identifiers: ClinVar variation 5000907 (VCV005000907.1).

ClinVar aggregate classification (germline): Uncertain significance (1 of 4 stars; one submission).

Conditions:
SIM1-related disorder. Also called: SIM1-related disorders; SIM1-related condition.

gnomAD v4.1: 1 of 1,614,140 alleles (0.000062%); no homozygotes.

Submission:

PreventionGenetics, part of Exact Sciences
Classification: Uncertain significance for SIM1-related condition. Last evaluated: 2026-04-28. Review status: criteria provided, single submitter. Criteria: ACMG Guidelines, 2015. Collection method: clinical testing. Allele origin: germline.
Comment: The SIM1 c.1405G>A variant is predicted to result in the amino acid substitution p.Gly469Arg. To our knowledge, this variant has not been reported in the literature or in a large population database (gnomAD), indicating this variant is rare. At this time, the clinical significance of this variant is uncertain due to the absence of conclusive functional and genetic evidence.